The following is an entry in ClinVar:

NM_001122681.2(SH3BP2):c.836A>G (p.Asp279Gly)

Gene: SH3BP2 (SH3 domain binding protein 2; plus strand). Cytogenetic location: 4p16.3.
Variant type: single nucleotide variant.
Coding change: c.836A>G on transcript NM_001122681.2 (MANE Select); coding-DNA position 836, A replaced by G.
Protein change: p.Asp279Gly; replaces aspartic acid 279 with glycine.
Molecular consequence: missense variant.
Genome position (GRCh38, 1-based): chr4:2,829,742, A>G. VCF-style: chr4-2829742-A-G. GRCh37 (hg19) VCF-style: chr4-2831469-A-G.
Other names: c.920A>G, p.Asp307Gly (NM_001145855.2); c.1007A>G, p.Asp336Gly (NM_001145856.2); c.836A>G, p.Asp279Gly (NM_003023.4); short protein forms D279G, D307G, D336G.
Identifiers: ClinVar variation 2790041 (VCV002790041.3), dbSNP rs1724872623, ClinGen allele CA356056223.

ClinVar aggregate classification (germline): Uncertain significance (1 of 4 stars; one submission).

Conditions:
Fibrous dysplasia of jaw (CRBM). Also called: Cherubism. Identifiers: Orphanet 184, MedGen C0008029, MONDO:0007315, OMIM 118400.

Allele frequency attached by ClinVar (database versions not stated): TOPMed below 0.00001.

Submission:

Labcorp Genetics (formerly Invitae), Labcorp
Classification: Uncertain significance for Fibrous dysplasia of jaw. Last evaluated: 2023-12-23. Review status: criteria provided, single submitter. Criteria: Invitae Variant Classification Sherloc (09022015). Collection method: clinical testing. Allele origin: germline.
Comment: This sequence change replaces aspartic acid, which is acidic and polar, with glycine, which is neutral and non-polar, at codon 279 of the SH3BP2 protein (p.Asp279Gly). This variant is not present in population databases (gnomAD no frequency). This variant has not been reported in the literature in individuals affected with SH3BP2-related conditions. Advanced modeling of protein sequence and biophysical properties (such as structural, functional, and spatial information, amino acid conservation, physicochemical variation, residue mobility, and thermodynamic stability) performed at Invitae indicates that this missense variant is not expected to disrupt SH3BP2 protein function with a negative predictive value of 80%. In summary, the available evidence is currently insufficient to determine the role of this variant in disease. Therefore, it has been classified as a Variant of Uncertain Significance.